The following is an entry in ClinVar:

NM_015295.3(SMCHD1):c.4694T>A (p.Phe1565Tyr)

Gene: SMCHD1 (structural maintenance of chromosomes flexible hinge domain containing 1; plus strand). Cytogenetic location: 18p11.32.
Variant type: single nucleotide variant.
Coding change: c.4694T>A on transcript NM_015295.3 (MANE Select); coding-DNA position 4694, T replaced by A.
Protein change: p.Phe1565Tyr; replaces phenylalanine 1565 with tyrosine.
Molecular consequence: missense variant.
Genome position (GRCh38, 1-based): chr18:2,763,764, T>A. VCF-style: chr18-2763764-T-A. GRCh37 (hg19) VCF-style: chr18-2763762-T-A.
Other names: short protein forms F1565Y.
Identifiers: ClinVar variation 4744245 (VCV004744245.1).

ClinVar aggregate classification (germline): Uncertain significance (1 of 4 stars; one submission).

Conditions:
Facioscapulohumeral muscular dystrophy 2 (FSHD2). Also called: MUSCULAR DYSTROPHY, FACIOSCAPULOHUMERAL, TYPE 1B; FACIOSCAPULOHUMERAL MUSCULAR DYSTROPHY 2, DIGENIC; FSHD2, DIGENIC. Identifiers: Orphanet 269, MedGen C1834671, MONDO:0008031, OMIM 158901.

gnomAD v4.1: 1 of 1,609,296 alleles (0.000062%); highest among the groups gnomAD compares: Non-Finnish European, 0.000085%; no homozygotes.

Submission:

Labcorp Genetics (formerly Invitae), Labcorp
Classification: Uncertain significance for Facioscapulohumeral muscular dystrophy 2. Last evaluated: 2025-04-19. Review status: criteria provided, single submitter. Criteria: Invitae Variant Classification Sherloc (09022015). Collection method: clinical testing. Allele origin: germline.
Comment: This sequence change replaces phenylalanine, which is neutral and non-polar, with tyrosine, which is neutral and polar, at codon 1565 of the SMCHD1 protein (p.Phe1565Tyr). This variant is not present in population databases (gnomAD no frequency). This variant has not been reported in the literature in individuals affected with SMCHD1-related conditions. Invitae Evidence Modeling of protein sequence and biophysical properties (such as structural, functional, and spatial information, amino acid conservation, physicochemical variation, residue mobility, and thermodynamic stability) indicates that this missense variant is not expected to disrupt SMCHD1 protein function with a negative predictive value of 80%. In summary, the available evidence is currently insufficient to determine the role of this variant in disease. Therefore, it has been classified as a Variant of Uncertain Significance.